The following is an entry in ClinVar:

NM_182961.4(SYNE1):c.24815G>A (p.Arg8272Gln)

Gene: SYNE1 (spectrin repeat containing nuclear envelope protein 1; minus strand). Cytogenetic location: 6q25.2.
Variant type: single nucleotide variant.
Coding change: c.24815G>A on transcript NM_182961.4 (MANE Select); coding-DNA position 24815, G replaced by A.
Protein change: p.Arg8272Gln; replaces arginine 8272 with glutamine.
Molecular consequence: missense variant.
Genome position (GRCh38, 1-based): chr6:152,148,206, C>T on the plus strand (G>A on the coding strand, the complement: SYNE1 is on the minus strand). VCF-style: chr6-152148206-C-T. GRCh37 (hg19) VCF-style: chr6-152469341-C-T.
Other names: c.1421G>A, p.Arg474Gln (NM_001347701.2); c.1280G>A, p.Arg427Gln (NM_001347702.2); c.24602G>A, p.Arg8201Gln (NM_033071.5); short protein forms R8201Q, R8272Q, R474Q, R427Q.
Identifiers: ClinVar variation 212341 (VCV000212341.29), dbSNP rs201029723, ClinGen allele CA206679.

ClinVar aggregate classification (germline): Conflicting classifications of pathogenicity. Review status: criteria provided, conflicting classifications (1 of 4 stars). 6 submissions from 5 submitters: Uncertain significance (4); Benign (1); Likely benign (1). Last evaluated 2025-06-01.

Conditions:
Autosomal recessive ataxia, Beauce type. Also called: ATAXIA, RECESSIVE, OF BEAUCE; Spinocerebellar ataxia, autosomal recessive 8; SYNE1-Related Autosomal Recessive Cerebellar Ataxia; SYNE1 Deficiency. Identifiers: Orphanet 88644, MedGen C1853116, MONDO:0012549, OMIM 610743.
Emery-Dreifuss muscular dystrophy 4, autosomal dominant (EDMD4). Also called: EMERY-DREIFUSS MUSCULAR DYSTROPHY 4 WITH VARIABLE FEATURES. Identifiers: Orphanet 261, MedGen C2751807, MONDO:0013071, OMIM 612998.

Allele frequency attached by ClinVar (database versions not stated): TOPMed 0.00016; gnomAD 0.00018 and 0.00019; ExAC 0.00021; gnomAD exomes 0.00025; 1000 Genomes Project 0.00040; 1000 Genomes Project 30x 0.00047.
gnomAD v4.1: 115 of 1,614,190 alleles (0.0071%); highest among the groups gnomAD compares: East Asian, 0.16%; no homozygotes.

Submissions (6):

CeGaT Center for Human Genetics Tuebingen
Classification: Uncertain significance. Last evaluated: 2025-06-01. Review status: criteria provided, single submitter. Criteria: CeGaT Center For Human Genetics Tuebingen Variant Classification Criteria Version 2. Collection method: clinical testing. Allele origin: germline. Affected: yes. Observed: 1 variant allele.
Comment: SYNE1: PM2

Labcorp Genetics (formerly Invitae), Labcorp
Classification: Likely benign for Emery-Dreifuss muscular dystrophy 4, autosomal dominant; Autosomal recessive ataxia, Beauce type. Last evaluated: 2025-04-17. Review status: criteria provided, single submitter. Criteria: Invitae Variant Classification Sherloc (09022015). Collection method: clinical testing. Allele origin: germline.

GeneDx
Classification: Uncertain significance. Last evaluated: 2024-06-20. Review status: criteria provided, single submitter. Criteria: GeneDx Variant Classification Process June 2021. Collection method: clinical testing. Allele origin: germline. Affected: yes.
Comment: Observed in unrelated patients with sporadic dilated cardiomyopathy in published literature (PMID: 28398466); In silico analysis supports that this missense variant has a deleterious effect on protein structure/function; This variant is associated with the following publications: (PMID: 28398466)

Illumina Laboratory Services, Illumina
Classification: Uncertain significance for Autosomal recessive ataxia, Beauce type. Last evaluated: 2018-01-13. Review status: criteria provided, single submitter. Criteria: ICSL Variant Classification Criteria 13 December 2019. Collection method: clinical testing. Allele origin: germline.

Illumina Laboratory Services, Illumina
Classification: Benign for Emery-Dreifuss muscular dystrophy 4, autosomal dominant. Last evaluated: 2018-01-13. Review status: criteria provided, single submitter. Criteria: ICSL Variant Classification Criteria 13 December 2019. Collection method: clinical testing. Allele origin: germline.
Comment: This variant was observed in the ICSL laboratory as part of a predisposition screen in an ostensibly healthy population. It had not been previously curated by ICSL or reported in the Human Gene Mutation Database (HGMD: prior to June 1st, 2018), and was therefore a candidate for classification through an automated scoring system. Utilizing variant allele frequency, disease prevalence and penetrance estimates, and inheritance mode, an automated score was calculated to assess if this variant is too frequent to cause the disease. Based on the score and internal cut-off values, a variant classified as benign is not then subjected to further curation. The score for this variant resulted in a classification of benign for this disease.

Genetic Services Laboratory, University of Chicago
Classification: Uncertain significance. Last evaluated: 2014-06-10. Review status: criteria provided, single submitter. Criteria: ACMG Guidelines, 2015. Collection method: clinical testing. Allele origin: germline.